The following is an entry in ClinVar:

ClinVar aggregate classification (germline): Benign/Likely benign. Review status: criteria provided, multiple submitters, no conflicts (2 of 4 stars). 2 submissions from 2 submitters: Benign (1); Likely benign (1). Last evaluated 2026-04-01.

Allele frequency attached by ClinVar (database versions not stated): gnomAD 0.00002; TOPMed 0.00006; ExAC 0.00017; gnomAD exomes 0.00027.
gnomAD v4.1: 49 of 1,544,932 alleles (0.0032%); highest among the groups gnomAD compares: Admixed American, 0.093%; no homozygotes.

Submissions (2):

CeGaT Center for Human Genetics Tuebingen
Classification: Likely benign. Last evaluated: 2026-04-01. Review status: criteria provided, single submitter. Criteria: CeGaT Center For Human Genetics Tuebingen Variant Classification Criteria Version 2. Collection method: clinical testing. Allele origin: germline. Affected: yes. Observed: 1 variant allele.
Comment: KCNC3: BP4, BP7

Labcorp Genetics (formerly Invitae), Labcorp
Classification: Benign. Last evaluated: 2025-02-14. Review status: criteria provided, single submitter. Criteria: Invitae Variant Classification Sherloc (09022015). Collection method: clinical testing. Allele origin: germline.

NM_004977.3(KCNC3):c.276C>A (p.Ile92=)

Gene: KCNC3 (potassium voltage-gated channel subfamily C member 3; minus strand). Cytogenetic location: 19q13.33.
Variant type: single nucleotide variant.
Coding change: c.276C>A on transcript NM_004977.3 (MANE Select); coding-DNA position 276, C replaced by A.
Protein change: p.Ile92=; no amino-acid change (isoleucine 92 retained).
Molecular consequence: synonymous variant.
Genome position (GRCh38, 1-based): chr19:50,328,807, G>T on the plus strand (C>A on the coding strand, the complement: KCNC3 is on the minus strand). VCF-style: chr19-50328807-G-T. GRCh37 (hg19) VCF-style: chr19-50832064-G-T.
Other names: c.48C>A, p.Ile16= (NM_001372305.1).
Identifiers: ClinVar variation 1656062 (VCV001656062.10), dbSNP rs749787097, ClinGen allele CA9594399.